The following is an entry in ClinVar:

ClinVar aggregate classification (germline): Uncertain significance (1 of 4 stars; one submission).

gnomAD v4.1: 1 of 1,611,390 alleles (0.000062%); highest among the groups gnomAD compares: Non-Finnish European, 0.000085%; no homozygotes.

Submission:

CeGaT Center for Human Genetics Tuebingen
Classification: Uncertain significance. Last evaluated: 2024-10-01. Review status: criteria provided, single submitter. Criteria: CeGaT Center For Human Genetics Tuebingen Variant Classification Criteria Version 2. Collection method: clinical testing. Allele origin: germline. Affected: yes. Observed: 1 variant allele.
Comment: BRSK2: PM2, PP3, PS4:Supporting

NM_001256627.2(BRSK2):c.977+5G>A

Gene: BRSK2 (BR serine/threonine kinase 2; plus strand). Cytogenetic location: 11p15.5.
Variant type: single nucleotide variant.
Coding change: c.977+5G>A on transcript NM_001256627.2 (MANE Select); 5 bases into the intron after coding-DNA position 977, G replaced by A.
Molecular consequence: intron variant.
Genome position (GRCh38, 1-based): chr11:1,445,463, G>A. VCF-style: chr11-1445463-G-A. GRCh37 (hg19) VCF-style: chr11-1466693-G-A.
Other names: c.977+5G>A (NM_001256629.2, NM_003957.4); c.797+5G>A (NM_001282218.2); c.1115+5G>A (NM_001256630.1).
Identifiers: ClinVar variation 3389877 (VCV003389877.14).
Genomic context (GRCh38, chr11:1,445,463, plus strand): 5'-TCACTGGGCTGCTTCCGAGACCGCAACAAGCTGCTGCAGGACCTGCTGTCCGAGGAGTGC[G>A]TCTGGGGCTGCTCCCGGGTGGGGCACGGGGCCTGAGGTGGGAGCGCTGCCCCGGAGGAGC-3'